The following is an entry in ClinVar:

NM_024422.6(DSC2):c.1490A>T (p.Asp497Val)

Gene: DSC2 (desmocollin 2; minus strand). Cytogenetic location: 18q12.1.
Variant type: single nucleotide variant.
Coding change: c.1490A>T on transcript NM_024422.6 (MANE Select); coding-DNA position 1490, A replaced by T.
Protein change: p.Asp497Val; replaces aspartic acid 497 with valine.
Molecular consequence: missense variant.
Genome position (GRCh38, 1-based): chr18:31,080,126, T>A on the plus strand (A>T on the coding strand, the complement: DSC2 is on the minus strand). VCF-style: chr18-31080126-T-A. GRCh37 (hg19) VCF-style: chr18-28660092-T-A.
Other names: c.1490A>T, p.Asp497Val (NM_004949.5); short protein forms D497V.
Identifiers: ClinVar variation 1171918 (VCV001171918.4), dbSNP rs2144813366, ClinGen allele CA402108384.

ClinVar aggregate classification (germline): Uncertain significance. Review status: criteria provided, multiple submitters, no conflicts (2 of 4 stars). 2 submissions from 2 submitters: Uncertain significance (2). Last evaluated 2024-03-06.

Conditions:
Familial isolated arrhythmogenic right ventricular dysplasia. Identifiers: Orphanet 217656, MedGen C4274968, MONDO:0016342.
Cardiomyopathy (CMYO). Also called: Cardiomyopathies. Identifiers: Orphanet 167848, MedGen C0878544, MONDO:0004994, HP:0001638. Inheritance: Various modes of inheritance.

Submissions (2):

Color Diagnostics, LLC DBA Color Health
Classification: Uncertain significance for Cardiomyopathy. Last evaluated: 2024-03-06. Review status: criteria provided, single submitter. Criteria: ACMG Guidelines, 2015. Collection method: clinical testing. Allele origin: germline.
Comment: This missense variant replaces aspartic acid with valine at codon 497 of the DSC2 protein. Computational prediction is inconclusive regarding the impact of this variant on protein structure and function (internally defined REVEL score threshold 0.5 < inconclusive < 0.7, PMID: 27666373). To our knowledge, functional studies have not been reported for this variant. This variant has not been reported in individuals affected with cardiovascular disorders in the literature. This variant has not been identified in the general population by the Genome Aggregation Database (gnomAD). The available evidence is insufficient to determine the role of this variant in disease conclusively. Therefore, this variant is classified as a Variant of Uncertain Significance.

All of Us Research Program, National Institutes of Health
Classification: Uncertain significance for Familial isolated arrhythmogenic right ventricular dysplasia. Last evaluated: 2023-12-01. Review status: criteria provided, single submitter. Criteria: ACMG Guidelines, 2015. Collection method: clinical testing. Allele origin: germline. Inheritance: Autosomal dominant inheritance. Observed: 1 variant allele, 1 heterozygote.
Comment: This missense variant replaces aspartic acid with valine at codon 497 of the DSC2 protein. Computational prediction is inconclusive regarding the impact of this variant on protein structure and function (internally defined REVEL score threshold 0.5 < inconclusive < 0.7, PMID: 27666373). To our knowledge, functional studies have not been reported for this variant. This variant has not been reported in individuals affected with cardiovascular disorders in the literature. This variant has not been identified in the general population by the Genome Aggregation Database (gnomAD). The available evidence is insufficient to determine the role of this variant in disease conclusively. Therefore, this variant is classified as a Variant of Uncertain Significance.

This study involves interpretation of variants in research participants for the purpose of population health screening. Participant phenotype was not available at the time of variant classification. Additional details can be found in publication PMID: 35346344, PMCID: PMC8962531